The following is an entry in ClinVar:

NM_177438.3(DICER1):c.4949T>G (p.Phe1650Cys)

Gene: DICER1 (dicer 1, ribonuclease III; minus strand). Cytogenetic location: 14q32.13.
Variant type: single nucleotide variant.
Coding change: c.4949T>G on transcript NM_177438.3 (MANE Select); coding-DNA position 4949, T replaced by G.
Protein change: p.Phe1650Cys; replaces phenylalanine 1650 with cysteine.
Molecular consequence: missense variant.
Genome position (GRCh38, 1-based): chr14:95,095,971, A>C on the plus strand (T>G on the coding strand, the complement: DICER1 is on the minus strand). VCF-style: chr14-95095971-A-C. GRCh37 (hg19) VCF-style: chr14-95562308-A-C.
Other names: c.4949T>G, p.Phe1650Cys (NM_001195573.1, NM_001271282.3, NM_001291628.2 and 1 more transcripts); short protein forms F1650C.
Identifiers: ClinVar variation 477228 (VCV000477228.22), dbSNP rs760439905, ClinGen allele CA7330767.

ClinVar aggregate classification (germline): Uncertain significance. Review status: criteria provided, multiple submitters, no conflicts (2 of 4 stars). 4 submissions from 4 submitters: Uncertain significance (4). Last evaluated 2026-06-09.

Conditions:
Euthyroid goiter (MNG1). Also called: Goiter, multinodular 1, with or without Sertoli-Leydig cell tumors; GOITER, NONTOXIC, WITH INTRATHYROIDAL CALCIFICATION; MULTINODULAR GOITER, ADOLESCENT; SIMPLE GOITER. Identifiers: Orphanet 276399, MedGen C0302859, MONDO:0007681, OMIM 138800, HP:0009798.
Rhabdomyosarcoma, embryonal, 2 (RMSE2). Identifiers: MedGen C1867234, MONDO:0859046, OMIM 180295.
Pleuropulmonary blastoma (PPB). Identifiers: Orphanet 64742, MedGen C1266144, MONDO:0011014, OMIM 601200, HP:0100528.
Global developmental delay - lung cysts - overgrowth - Wilms tumor syndrome. Also called: GLOW Syndrome; GLOBAL DEVELOPMENTAL DELAY, LUNG CYSTS, OVERGROWTH, AND WILMS TUMOR. Identifiers: Orphanet 404476, MedGen C4748924, MONDO:0018445, OMIM 618272.
Hereditary cancer-predisposing syndrome. Also called: Tumor predisposition; Hereditary neoplastic syndrome; Neoplastic Syndromes, Hereditary; Hereditary Cancer Syndrome. Identifiers: Orphanet 140162, MedGen C0027672, MeSH D009386, MONDO:0015356.
DICER1-related tumor predisposition. Also called: DICER1-related pleuropulmonary blastoma cancer predisposition syndrome; DICER1 syndrome. Identifiers: Orphanet 284343, MedGen C3839822, MONDO:0100216.

Allele frequency attached by ClinVar (database versions not stated): gnomAD exomes below 0.00001; TOPMed 0.00002; gnomAD 0.00004; ExAC 0.00001.
gnomAD v4.1: 11 of 1,614,136 alleles (0.00068%); highest among the groups gnomAD compares: Non-Finnish European, 0.00093%; no homozygotes.

Submissions (4):

Ambry Genetics
Classification: Uncertain significance for Hereditary cancer-predisposing syndrome. Last evaluated: 2026-06-09. Review status: criteria provided, single submitter. Criteria: Ambry Variant Classification Scheme 2023. Collection method: clinical testing. Allele origin: germline.
Comment: The p.F1650C variant (also known as c.4949T>G), located in coding exon 22 of the DICER1 gene, results from a T to G substitution at nucleotide position 4949. The phenylalanine at codon 1650 is replaced by cysteine, an amino acid with highly dissimilar properties. This variant was detected as heterozygous in individual(s) with no reported features of DICER1-related tumor predisposition (Ambry internal data).This amino acid position is well conserved in available vertebrate species. In addition, this alteration is predicted to be deleterious by in silico analysis. Based on the available evidence, the clinical significance of this variant remains unclear.

Labcorp Genetics (formerly Invitae), Labcorp
Classification: Uncertain significance for DICER1-related tumor predisposition. Last evaluated: 2026-01-25. Review status: criteria provided, single submitter. Criteria: Invitae Variant Classification Sherloc (09022015). Collection method: clinical testing. Allele origin: germline.
Comment: This sequence change replaces phenylalanine, which is neutral and non-polar, with cysteine, which is neutral and slightly polar, at codon 1650 of the DICER1 protein (p.Phe1650Cys). This variant is present in population databases (rs760439905, gnomAD 0.002%). This missense change has been observed in individual(s) with lung adenocarcinoma (PMID: 30672147). ClinVar contains an entry for this variant (Variation ID: 477228). Invitae Evidence Modeling of protein sequence and biophysical properties (such as structural, functional, and spatial information, amino acid conservation, physicochemical variation, residue mobility, and thermodynamic stability) indicates that this missense variant is not expected to disrupt DICER1 protein function with a negative predictive value of 95%. In summary, the available evidence is currently insufficient to determine the role of this variant in disease. Therefore, it has been classified as a Variant of Uncertain Significance.

Fulgent Genetics
Classification: Uncertain significance for Euthyroid goiter; Rhabdomyosarcoma, embryonal, 2; Pleuropulmonary blastoma; Global developmental delay - lung cysts - overgrowth - Wilms tumor syndrome. Last evaluated: 2024-04-15. Review status: criteria provided, single submitter. Criteria: ACMG Guidelines, 2015. Collection method: clinical testing. Allele origin: germline.

Illumina Laboratory Services, Illumina
Classification: Uncertain significance for Pleuropulmonary blastoma. Last evaluated: 2018-01-13. Review status: criteria provided, single submitter. Criteria: ICSL Variant Classification Criteria 13 December 2019. Collection method: clinical testing. Allele origin: germline.

Literature cited by the submitters: PubMed 30672147 (cited by Ambry Genetics and Labcorp Genetics (formerly Invitae), Labcorp); PubMed 33158809 (cited by Ambry Genetics).